The following is an entry in ClinVar:

NM_001330360.2(POLA1):c.652T>C (p.Ser218Pro)

Gene: POLA1 (DNA polymerase alpha 1, catalytic subunit; plus strand). Cytogenetic location: Xp22.11.
Variant type: single nucleotide variant.
Coding change: c.652T>C on transcript NM_001330360.2 (MANE Select); coding-DNA position 652, T replaced by C.
Protein change: p.Ser218Pro; replaces serine 218 with proline.
Molecular consequence: missense variant. On other transcripts: non-coding transcript variant (2).
Genome position (GRCh38, 1-based): chrX:24,716,917, T>C. VCF-style: chrX-24716917-T-C. GRCh37 (hg19) VCF-style: chrX-24735034-T-C.
Other names: c.652T>C, p.Ser218Pro (NM_001378303.1); c.634T>C, p.Ser212Pro (NM_016937.4); short protein forms S212P, S218P.
Identifiers: ClinVar variation 1502701 (VCV001502701.6), dbSNP rs1025698168, ClinGen allele CA326894284.

ClinVar aggregate classification (germline): Uncertain significance (1 of 4 stars; one submission).

Allele frequency attached by ClinVar (database versions not stated): gnomAD 0.00001; TOPMed 0.00001; gnomAD exomes 0.00002.
gnomAD v4.1: 18 of 1,200,577 alleles (0.0015%); highest among the groups gnomAD compares: Non-Finnish European, 0.002%; no homozygotes.

Submission:

Labcorp Genetics (formerly Invitae), Labcorp
Classification: Uncertain significance. Last evaluated: 2023-05-15. Review status: criteria provided, single submitter. Criteria: Invitae Variant Classification Sherloc (09022015). Collection method: clinical testing. Allele origin: germline.
Comment: This sequence change replaces serine, which is neutral and polar, with proline, which is neutral and non-polar, at codon 212 of the POLA1 protein (p.Ser212Pro). In summary, the available evidence is currently insufficient to determine the role of this variant in disease. Therefore, it has been classified as a Variant of Uncertain Significance. Advanced modeling of protein sequence and biophysical properties (such as structural, functional, and spatial information, amino acid conservation, physicochemical variation, residue mobility, and thermodynamic stability) performed at Invitae indicates that this missense variant is not expected to disrupt POLA1 protein function. ClinVar contains an entry for this variant (Variation ID: 1502701). This variant has not been reported in the literature in individuals affected with POLA1-related conditions. This variant is not present in population databases (gnomAD no frequency).